The following is an entry in ClinVar:

ClinVar aggregate classification (germline): Benign/Likely benign. Review status: criteria provided, multiple submitters, no conflicts (2 of 4 stars). 4 submissions from 4 submitters: Benign (1); Likely benign (2). 1 of the submissions does not count toward it. Last evaluated 2024-12-27.

Conditions:
Familial thoracic aortic aneurysm and aortic dissection (TAAD). Also called: Thoracic aortic aneurysms and dissections. Identifiers: Orphanet 91387, MedGen C4707243, MONDO:0019625.
Congenital contractural arachnodactyly (CCA). Also called: BEALS SYNDROME; Beals-Hecht syndrome; Arthrogryposis, distal, type 9. Identifiers: Orphanet 115, MedGen C0220668, MONDO:0007363, OMIM 121050.
FBN2-related disorder. Also called: FBN2-related condition.

Allele frequency attached by ClinVar (database versions not stated): ExAC 0.00003; gnomAD exomes 0.00004; ESP Exome Variant Server 0.00008; gnomAD 0.00014 and 0.00015; TOPMed 0.00019; 1000 Genomes Project 30x 0.00031; 1000 Genomes Project 0.00040.
gnomAD v4.1: 40 of 1,613,852 alleles (0.0025%); highest among the groups gnomAD compares: African/African-American, 0.052%; no homozygotes.

Submissions (4):

Labcorp Genetics (formerly Invitae), Labcorp
Classification: Likely benign for Congenital contractural arachnodactyly. Last evaluated: 2024-12-27. Review status: criteria provided, single submitter. Criteria: Invitae Variant Classification Sherloc (09022015). Collection method: clinical testing. Allele origin: germline.

Women's Health and Genetics/Laboratory Corporation of America, LabCorp
Classification: Benign. Last evaluated: 2023-12-17. Review status: criteria provided, single submitter. Criteria: LabCorp Variant Classification Summary - May 2015. Collection method: clinical testing. Allele origin: germline.

Ambry Genetics
Classification: Likely benign for Familial thoracic aortic aneurysm and aortic dissection. Last evaluated: 2022-04-03. Review status: criteria provided, single submitter. Criteria: Ambry Variant Classification Scheme 2023. Collection method: clinical testing. Allele origin: germline.

PreventionGenetics, part of Exact Sciences
Classification: Likely benign for FBN2-related condition. Last evaluated: 2019-05-02. Review status: no assertion criteria provided. Collection method: clinical testing. Allele origin: germline. Not counted in ClinVar's aggregate classification.
Comment: This variant is classified as likely benign based on ACMG/AMP sequence variant interpretation guidelines (Richards et al. 2015 PMID: 25741868, with internal and published modifications).

NM_001999.4(FBN2):c.7569G>A (p.Leu2523=)

Gene: FBN2 (fibrillin 2; minus strand). Cytogenetic location: 5q23.3.
Variant type: single nucleotide variant.
Coding change: c.7569G>A on transcript NM_001999.4 (MANE Select); coding-DNA position 7569, G replaced by A.
Protein change: p.Leu2523=; no amino-acid change (leucine 2523 retained).
Molecular consequence: synonymous variant.
Genome position (GRCh38, 1-based): chr5:128,276,063, C>T on the plus strand (G>A on the coding strand, the complement: FBN2 is on the minus strand). VCF-style: chr5-128276063-C-T. GRCh37 (hg19) VCF-style: chr5-127611755-C-T.
Identifiers: ClinVar variation 1121634 (VCV001121634.14), dbSNP rs375141964, ClinGen allele CA3394087.